The following is an entry in ClinVar:

NM_000059.4(BRCA2):c.5153A>C (p.Asn1718Thr)

Gene: BRCA2 (BRCA2 DNA repair associated; plus strand). Cytogenetic location: 13q13.1.
Variant type: single nucleotide variant.
Coding change: c.5153A>C on transcript NM_000059.4 (MANE Select); coding-DNA position 5153, A replaced by C.
Protein change: p.Asn1718Thr; replaces asparagine 1718 with threonine.
Molecular consequence: missense variant. On other transcripts: non-coding transcript variant (1), intron variant (2).
Genome position (GRCh38, 1-based): chr13:32,339,508, A>C. VCF-style: chr13-32339508-A-C. GRCh37 (hg19) VCF-style: chr13-32913645-A-C.
Other names: c.5153A>C, p.Asn1718Thr (NM_001406719.1, NM_001406720.1, NM_001432077.1); c.1910-5050A>C (NM_001406721.1); c.425-5050A>C (NM_001406722.1); short protein forms N1718T.
Identifiers: ClinVar variation 3629844 (VCV003629844.4).

ClinVar aggregate classification (germline): Uncertain significance. Review status: criteria provided, multiple submitters, no conflicts (2 of 4 stars). 3 submissions from 3 submitters: Uncertain significance (3). Last evaluated 2024-12-16.

Conditions:
Hereditary cancer-predisposing syndrome. Also called: Tumor predisposition; Hereditary neoplastic syndrome; Neoplastic Syndromes, Hereditary; Hereditary Cancer Syndrome. Identifiers: Orphanet 140162, MedGen C0027672, MeSH D009386, MONDO:0015356.
Hereditary breast ovarian cancer syndrome. Also called: Hereditary breast and ovarian cancer; Hereditary breast and ovarian cancer syndrome (HBOC); Hereditary breast and/or ovarian cancer syndrome; Hereditary breast and ovarian cancer syndrome; Breast and ovarian cancer; BRCA1- and BRCA2-Associated Hereditary Breast and Ovarian Cancer. Identifiers: Orphanet 145, MedGen C0677776, MeSH D061325, MONDO:0003582. Disease mechanism: loss of function.

Submissions (3):

Ambry Genetics
Classification: Uncertain significance for Hereditary cancer-predisposing syndrome. Last evaluated: 2024-12-16. Review status: criteria provided, single submitter. Criteria: Ambry Variant Classification Scheme 2023. Collection method: clinical testing. Allele origin: germline.
Comment: The p.N1718T variant (also known as c.5153A>C), located in coding exon 10 of the BRCA2 gene, results from an A to C substitution at nucleotide position 5153. The asparagine at codon 1718 is replaced by threonine, an amino acid with similar properties. This amino acid position is conserved. In addition, this alteration is predicted to be tolerated by in silico analysis. Based on the available evidence, the clinical significance of this variant remains unclear.

Women's Health and Genetics/Laboratory Corporation of America, LabCorp
Classification: Uncertain significance. Last evaluated: 2024-11-04. Review status: criteria provided, single submitter. Criteria: LabCorp Variant Classification Summary - May 2015. Collection method: clinical testing. Allele origin: germline.
Comment: Variant summary: BRCA2 c.5153A>C (p.Asn1718Thr) results in a non-conservative amino acid change in the encoded protein sequence. Four of five in-silico tools predict a benign effect of the variant on protein function. The variant was absent in 227032 control chromosomes. The available data on variant occurrences in the general population are insufficient to allow any conclusion about variant significance. To our knowledge, no occurrence of c.5153A>C in individuals affected with Hereditary Breast And Ovarian Cancer Syndrome and no experimental evidence demonstrating its impact on protein function have been reported. No submitters have cited clinical-significance assessments for this variant to ClinVar. Based on the evidence outlined above, the variant was classified as uncertain significance.

Labcorp Genetics (formerly Invitae), Labcorp
Classification: Uncertain significance for Hereditary breast ovarian cancer syndrome. Last evaluated: 2024-05-01. Review status: criteria provided, single submitter. Criteria: Invitae Variant Classification Sherloc (09022015). Collection method: clinical testing. Allele origin: germline.
Comment: This sequence change replaces asparagine, which is neutral and polar, with threonine, which is neutral and polar, at codon 1718 of the BRCA2 protein (p.Asn1718Thr). This variant is not present in population databases (gnomAD no frequency). This variant has not been reported in the literature in individuals affected with BRCA2-related conditions. Advanced modeling of protein sequence and biophysical properties (such as structural, functional, and spatial information, amino acid conservation, physicochemical variation, residue mobility, and thermodynamic stability) performed at Invitae indicates that this missense variant is not expected to disrupt BRCA2 protein function with a negative predictive value of 95%. In summary, the available evidence is currently insufficient to determine the role of this variant in disease. Therefore, it has been classified as a Variant of Uncertain Significance.